The following is an entry in ClinVar:

ClinVar aggregate classification (germline): Uncertain significance (1 of 4 stars; one submission).

Submission:

Women's Health and Genetics/Laboratory Corporation of America, LabCorp
Classification: Uncertain significance. Last evaluated: 2019-12-02. Review status: criteria provided, single submitter. Criteria: LabCorp Variant Classification Summary - May 2015. Collection method: clinical testing. Allele origin: germline.
Comment: Variant summary: DNAH7 c.7208_7212delTTAAA (p.Ile2403ArgfsX10) results in a premature termination codon, predicted to cause a truncation of the encoded protein or absence of the protein due to nonsense mediated decay, which are commonly known mechanisms for disease. The variant allele was found at a frequency of 0.00021 in 280610 control chromosomes (gnomAD). This frequency is not significantly higher than expected for a pathogenic variant in DNAH7 causing DNAH7-Related Disorders (0.00021 vs 0.0011), allowing no conclusion about variant significance. To our knowledge, no occurrence of c.7208_7212delTTAAA in individuals affected with DNAH7-Related Disorders and no experimental evidence demonstrating its impact on protein function have been reported. No clinical diagnostic laboratories have submitted clinical-significance assessments for this variant to ClinVar after 2014. Based on the evidence outlined above, the variant was classified as uncertain significance.

NM_018897.3(DNAH7):c.7208_7212del (p.Ile2403fs)

Gene: DNAH7 (dynein axonemal heavy chain 7; minus strand). Cytogenetic location: 2q32.3.
Variant type: Deletion.
Coding change: c.7208_7212del on transcript NM_018897.3 (MANE Select); coding-DNA positions 7208 to 7212, 5 bases deleted (TTAAA; older notation c.7208_7212delTTAAA).
Protein change: p.Ile2403fs; shifts the reading frame from isoleucine 2403.
Molecular consequence: frameshift variant.
Genome position (GRCh38, 1-based): chr2:195,864,443-195,864,447, TTTAA deleted on the plus strand (TTAAA on the coding strand, the reverse complement: DNAH7 is on the minus strand); deleting any 5 consecutive bases within chr2:195,864,443-195,864,450 gives the same sequence; the c. name uses the placement nearest the transcript's 3' end. VCF-style (leftmost placement, unchanged base first): chr2-195864442-CTTTAA-C. GRCh37 (hg19) VCF-style: chr2-196729166-CTTTAA-C.
Other names: short protein forms I2403fs.
Identifiers: ClinVar variation 929066 (VCV000929066.1), dbSNP rs759286413, ClinGen allele CA2034930.